The following is an entry in ClinVar:

ClinVar aggregate classification (germline): Pathogenic/Likely pathogenic. Review status: criteria provided, multiple submitters, no conflicts (2 of 4 stars). 11 submissions from 11 submitters: Pathogenic (2); Likely pathogenic (7). 2 of the submissions do not count toward it. Last evaluated 2026-03-18.

Conditions:
ACADS-related disorder. Also called: ACADS-related condition.
Inborn genetic diseases. Identifiers: MedGen C0950123, MeSH D030342.
Deficiency of butyryl-CoA dehydrogenase (ACADSD). Also called: ACADS DEFICIENCY; Short-Chain Acyl-CoA Dehydrogenase Deficiency; SCADH DEFICIENCY; SCAD DEFICIENCY, MILD; ACYL-CoA DEHYDROGENASE, SHORT-CHAIN, DEFICIENCY OF; SCAD Deficiency. Identifiers: Orphanet 26792, MedGen C0342783, MONDO:0008722, OMIM 201470. Disease mechanism: May be benign.

Allele frequency attached by ClinVar (database versions not stated): 1000 Genomes Project 30x 0.00016; 1000 Genomes Project 0.00020; gnomAD 0.00042 and 0.00046; ESP Exome Variant Server 0.00046; TOPMed 0.00049.
gnomAD v4.1: 141 of 1,613,868 alleles (0.0087%); highest among the groups gnomAD compares: African/African-American, 0.13%; no homozygotes.

Submissions (14):

PreventionGenetics, part of Exact Sciences
Classification: Likely pathogenic for ACADS-related condition. Last evaluated: 2026-03-18. Review status: criteria provided, single submitter. Criteria: ACMG Guidelines, 2015. Collection method: clinical testing. Allele origin: germline.
Comment: The ACADS c.988C>T variant is predicted to result in the amino acid substitution p.Arg330Cys. This variant has been reported in two siblings with short chain acyl-CoA dehydrogenase deficiency (SCADD) (van Maldegem et al. 2006. PubMed ID: 16926354, Patient 2 and Sibling 2) as well as in individuals with abnormal newborn screen results suggestive of SCADD (for example see Waisbren et al. 2008. PubMed ID: 18676165; Sadat et al. 2019. PubMed ID: 31813752). We have also observed this variant in the heterozygous state in multiple other patients with suspected SCADD (PreventionGenetics internal data). This variant is reported in 0.15% of alleles in individuals of African descent in gnomAD. This variant is interpreted as likely pathogenic.

Labcorp Genetics (formerly Invitae), Labcorp
Classification: Pathogenic for Deficiency of butyryl-CoA dehydrogenase. Last evaluated: 2026-01-20. Review status: criteria provided, single submitter. Criteria: Invitae Variant Classification Sherloc (09022015). Collection method: clinical testing. Allele origin: germline.
Comment: This sequence change replaces arginine, which is basic and polar, with cysteine, which is neutral and slightly polar, at codon 330 of the ACADS protein (p.Arg330Cys). This variant is present in population databases (rs140853839, gnomAD 0.2%). This missense change has been observed in individual(s) with short-chain acyl-coA dehydrogenase (SCAD) deficiency (PMID: 16926354, 18676165; internal data). In at least one individual the data is consistent with being in trans (on the opposite chromosome) from a pathogenic variant. ClinVar contains an entry for this variant (Variation ID: 203557). Invitae Evidence Modeling of protein sequence and biophysical properties (such as structural, functional, and spatial information, amino acid conservation, physicochemical variation, residue mobility, and thermodynamic stability) has been performed for this missense variant. However, the output from this modeling did not meet the statistical confidence thresholds required to predict the impact of this variant on ACADS protein function. For these reasons, this variant has been classified as Pathogenic.

Dasa
Classification: Pathogenic. Last evaluated: 2025-09-15. Review status: criteria provided, single submitter. Criteria: DASA Assertion Criteria. Collection method: clinical testing. Allele origin: germline.
Comment: NM_000017.4(ACADS):c.988C>T (p.Arg330Cys) is a missense variant that results in the substitution of arginine with cysteine. Multiple computational predictions support a deleterious effect on the gene or gene product. The variant is present at low frequency in population datasets. Based on the available data, this variant is classified as pathogenic.

Revvity Omics, Revvity
Classification: Likely pathogenic for Deficiency of butyryl-CoA dehydrogenase. Last evaluated: 2024-08-23. Review status: criteria provided, single submitter. Criteria: ACMG Guidelines, 2015. Collection method: clinical testing. Allele origin: germline.

GeneDx
Classification: Likely pathogenic. Last evaluated: 2024-07-15. Review status: criteria provided, single submitter. Criteria: GeneDx Variant Classification Process June 2021. Collection method: clinical testing. Allele origin: germline. Affected: yes.
Comment: In silico analysis supports that this missense variant has a deleterious effect on protein structure/function; This variant is associated with the following publications: (PMID: 26055667, 16926354, 18676165, 31813752, 32793418, 22241096, 38137468, 32778825, 19952864, 23798014, 38784038)

Genome-Nilou Lab
Classification: Likely pathogenic for Deficiency of butyryl-CoA dehydrogenase. Last evaluated: 2021-11-07. Review status: criteria provided, single submitter. Criteria: ACMG Guidelines, 2015. Collection method: clinical testing. Allele origin: germline. Affected: no.

Laboratorio de Genetica e Diagnostico Molecular, Hospital Israelita Albert Einstein
Classification: Likely pathogenic. Last evaluated: 2021-10-15. Review status: criteria provided, single submitter. Criteria: ACMG Guidelines, 2015. Collection method: clinical testing. Allele origin: germline. Affected: yes.
Comment: ACMG classification criteria: PS4, PM2, PM3, PP3

Fulgent Genetics
Classification: Likely pathogenic for Deficiency of butyryl-CoA dehydrogenase. Last evaluated: 2021-09-23. Review status: criteria provided, single submitter. Criteria: ACMG Guidelines, 2015. Collection method: clinical testing. Allele origin: unknown.

Ambry Genetics
Classification: Likely pathogenic for Inborn genetic diseases. Last evaluated: 2021-07-08. Review status: criteria provided, single submitter. Criteria: Ambry Variant Classification Scheme 2023. Collection method: clinical testing. Allele origin: germline.
Comment: The c.988C>T (p.R330C) alteration is located in exon 8 (coding exon 8) of the ACADS gene. This alteration results from a C to T substitution at nucleotide position 988, causing the arginine (R) at amino acid position 330 to be replaced by a cysteine (C). Based on data from the Genome Aggregation Database (gnomAD), the ACADS c.988C>T alteration was observed in 0.02% (46/282298) of total alleles studied, with a frequency of 0.15% (38/24888) in the African subpopulation. This variant has been reported in several individuals with short-chain acyl-CoA dehydrogenase deficiency (SCADD) in conjunction with a second ACADS variant (van Maldegem, 2006; Waisbren, 2008; van Maldegem, 2010; Pena, 2012; Waisbren, 2013; Maguolo, 2020). The p.R330C alteration is predicted to be deleterious by in silico analysis. Based on the available evidence, this alteration is classified as likely pathogenic.

Counsyl
Classification: Likely pathogenic for Deficiency of butyryl-CoA dehydrogenase. Last evaluated: 2016-12-21. Review status: no assertion criteria provided. Collection method: clinical testing. Allele origin: unknown. Not counted in ClinVar's aggregate classification.

Dr. Peter K. Rogan Lab, Western University
No classification provided (evidence only). Condition: Lung cancer. Review status: no classification provided. Collection method: in vitro. Allele origin: not applicable. Functional consequence: retained intron. Not counted in ClinVar's aggregate classification.

Dr. Peter K. Rogan Lab, Western University
No classification provided (evidence only). Condition: Familial cancer of breast. Review status: no classification provided. Collection method: in vitro. Allele origin: not applicable. Functional consequence: retained intron. Not counted in ClinVar's aggregate classification.

Dr. Peter K. Rogan Lab, Western University
No classification provided (evidence only). Condition: Colon adenocarcinoma. Review status: no classification provided. Collection method: in vitro. Allele origin: not applicable. Functional consequence: retained intron. Not counted in ClinVar's aggregate classification.

Neonatal Disease Screening Center, Medical Genetics Center, Huaihua City Maternal and Child Health Care Hospital
Classification: Likely pathogenic for Deficiency of butyryl-CoA dehydrogenase. Review status: no assertion criteria provided. Criteria: ACMG Guidelines, 2015. Collection method: clinical testing. Allele origin: germline. Affected: yes. Observed: 1 variant allele. Not counted in ClinVar's aggregate classification.
Comment: PM2_P+PM3_S+PM5+PP3+PP4

Literature cited by the submitters: PubMed 16926354 (cited by 3 submitters); PubMed 18676165 (cited by 3 submitters); PubMed 19952864 (cited by Ambry Genetics); PubMed 22241096 (cited by Ambry Genetics and Counsyl); PubMed 23798014 (cited by Ambry Genetics); PubMed 32793418 (cited by Ambry Genetics); PubMed 26055667 (cited by Counsyl).

NM_000017.4(ACADS):c.988C>T (p.Arg330Cys)

Gene: ACADS (acyl-CoA dehydrogenase short chain; plus strand). Cytogenetic location: 12q24.31.
Variant type: single nucleotide variant.
Coding change: c.988C>T on transcript NM_000017.4 (MANE Select); coding-DNA position 988, C replaced by T.
Protein change: p.Arg330Cys; replaces arginine 330 with cysteine.
Molecular consequence: missense variant.
Genome position (GRCh38, 1-based): chr12:120,738,874, C>T. VCF-style: chr12-120738874-C-T. GRCh37 (hg19) VCF-style: chr12-121176677-C-T.
Other names: p.R330C:CGC>TGC; c.976C>T, p.Arg326Cys (NM_001302554.2); short protein forms R330C, R326C.
Identifiers: ClinVar variation 203557 (VCV000203557.29), dbSNP rs140853839, ClinGen allele CA312222.